The following is an entry in ClinVar:

NM_032539.5(SLITRK2):c.1998A>G (p.Gln666=)

Gene: SLITRK2 (SLIT and NTRK like family member 2; plus strand). Cytogenetic location: Xq27.3.
Variant type: single nucleotide variant.
Coding change: c.1998A>G on transcript NM_032539.5 (MANE Select); coding-DNA position 1998, A replaced by G.
Protein change: p.Gln666=; no amino-acid change (glutamine 666 retained).
Molecular consequence: synonymous variant.
Genome position (GRCh38, 1-based): chrX:145,824,423, A>G. VCF-style: chrX-145824423-A-G. GRCh37 (hg19) VCF-style: chrX-144905941-A-G.
Other names: c.1998A>G, p.Gln666= (NM_001144003.3, NM_001144004.3, NM_001144005.3 and 4 more transcripts).
Identifiers: ClinVar variation 4873619 (VCV004873619.2).

ClinVar aggregate classification (germline): Likely benign (1 of 4 stars; one submission).

gnomAD v4.1: 9 of 1,208,750 alleles (0.00074%); highest among the groups gnomAD compares: Admixed American, 0.013%; no homozygotes.

Submission:

CeGaT Center for Human Genetics Tuebingen
Classification: Likely benign. Last evaluated: 2026-05-01. Review status: criteria provided, single submitter. Criteria: CeGaT Center For Human Genetics Tuebingen Variant Classification Criteria Version 2. Collection method: clinical testing. Allele origin: germline. Affected: yes. Observed: 1 variant allele.
Comment: SLITRK2: BP4, BP7